The following is an entry in ClinVar:

ClinVar aggregate classification (germline): Conflicting classifications of pathogenicity. Review status: criteria provided, conflicting classifications (1 of 4 stars). 3 submissions from 2 submitters: Likely pathogenic (1); Uncertain significance (2). Last evaluated 2026-06-25.

Conditions:
Polycystic kidney disease 9, susceptibility to. Identifiers: MedGen C6012712, MONDO:0976267, OMIM 621164.
Saldino-Mainzer syndrome (SRTD9). Also called: CONORENAL SYNDROME; Renal dysplasia, retinal pigmentary dystrophy, cerebellar ataxia and skeletal dysplasia; SHORT-RIB THORACIC DYSPLASIA 9 WITHOUT POLYDACTYLY; short-rib thoracic dysplasia 9 with or without polydactyly. Identifiers: Orphanet 140969, MedGen C1849437, MONDO:0009964, OMIM 266920.
Retinitis pigmentosa 80 (RP80). Identifiers: MedGen C4540439, MONDO:0054708, OMIM 617781.

Submissions (3):

MVZ Medizinische Genetik Mainz
Classification: Likely pathogenic for Polycystic kidney disease 9, susceptibility to. Last evaluated: 2026-06-25. Review status: criteria provided, single submitter. Criteria: UK Practice Guidelines For Variant Classification V4 01 2020. Collection method: clinical testing. Allele origin: germline. Inheritance: Autosomal dominant inheritance. Affected: yes. Observed: 1 variant allele.
Comment: ACMG Criteria: PS4_MOD,PM4,PM2_SUP,PP3

Labcorp Genetics (formerly Invitae), Labcorp
Classification: Uncertain significance for Saldino-Mainzer syndrome. Last evaluated: 2024-04-06. Review status: criteria provided, single submitter. Criteria: Invitae Variant Classification Sherloc (09022015). Collection method: clinical testing. Allele origin: germline.
Comment: This variant, c.2543_2563del, results in the deletion of 7 amino acid(s) of the IFT140 protein (p.Arg848_Thr854del), but otherwise preserves the integrity of the reading frame. This variant is not present in population databases (gnomAD no frequency). This variant has not been reported in the literature in individuals affected with IFT140-related conditions. Experimental studies and prediction algorithms are not available or were not evaluated, and the functional significance of this variant is currently unknown. In summary, the available evidence is currently insufficient to determine the role of this variant in disease. Therefore, it has been classified as a Variant of Uncertain Significance.

MVZ Medizinische Genetik Mainz
Classification: Uncertain significance for Retinitis pigmentosa 80. Last evaluated: 2024-01-23. Review status: criteria provided, single submitter. Criteria: UK Practice Guidelines For Variant Classification V4 01 2020. Collection method: clinical testing. Allele origin: germline. Inheritance: Autosomal dominant inheritance. Affected: yes. Observed: 1 variant allele.
Comment: ACMG Criteria: PM4,PM2_SUP,PP3

NM_014714.4(IFT140):c.2543_2563del (p.Arg848_Thr854del)

Gene: IFT140 (intraflagellar transport 140; minus strand). Cytogenetic location: 16p13.3.
Variant type: Deletion.
Coding change: c.2543_2563del on transcript NM_014714.4 (MANE Select); coding-DNA positions 2543 to 2563, 21 bases deleted (GCGTGGCCGTGCTGGCCACGC).
Protein change: p.Arg848_Thr854del.
Molecular consequence: inframe deletion.
Genome position (GRCh38, 1-based): chr16:1,526,633-1,526,653, GCGTGGCCAGCACGGCCACGC deleted on the plus strand (GCGTGGCCGTGCTGGCCACGC on the coding strand, the reverse complement: IFT140 is on the minus strand); deleting any 21 consecutive bases within chr16:1,526,633-1,526,654 gives the same sequence; the c. name uses the placement nearest the transcript's 3' end. VCF-style (leftmost placement, unchanged base first): chr16-1526632-TGCGTGGCCAGCACGGCCACGC-T. GRCh37 (hg19) VCF-style: chr16-1576633-TGCGTGGCCAGCACGGCCACGC-T.
Identifiers: ClinVar variation 3235174 (VCV003235174.4), dbSNP rs2506135096.